The following is an entry in ClinVar:

NM_000212.3(ITGB3):c.449T>C (p.Met150Thr)

Gene: ITGB3 (integrin subunit beta 3; plus strand). Cytogenetic location: 17q21.32.
Variant type: single nucleotide variant.
Coding change: c.449T>C on transcript NM_000212.3 (MANE Select); coding-DNA position 449, T replaced by C.
Protein change: p.Met150Thr; replaces methionine 150 with threonine.
Molecular consequence: missense variant.
Genome position (GRCh38, 1-based): chr17:47,284,530, T>C. VCF-style: chr17-47284530-T-C. GRCh37 (hg19) VCF-style: chr17-45361896-T-C.
Other names: short protein forms M150T.
Identifiers: ClinVar variation 3019802 (VCV003019802.3), dbSNP rs2547616335, ClinGen allele CA400022017.
Genomic context (GRCh38, chr17:47,284,530, plus strand): 5'-TGCGGCAGGTGGAGGATTACCCTGTGGACATCTACTACTTGATGGACCTGTCTTACTCCA[T>C]GAAGGATGATCTGTGGAGCATCCAGAACCTGGGTACCAAGCTGGCCACCCAGATGCGAAA-3'
Protein context (NP_000203.2, residues 140-160): IYYLMDLSYS[Met150Thr]KDDLWSIQNL

ClinVar aggregate classification (germline): Uncertain significance (1 of 4 stars; one submission).

Submission:

Labcorp Genetics (formerly Invitae), Labcorp
Classification: Uncertain significance. Last evaluated: 2023-10-31. Review status: criteria provided, single submitter. Criteria: Invitae Variant Classification Sherloc (09022015). Collection method: clinical testing. Allele origin: germline.
Comment: This sequence change replaces methionine, which is neutral and non-polar, with threonine, which is neutral and polar, at codon 150 of the ITGB3 protein (p.Met150Thr). This variant is not present in population databases (gnomAD no frequency). This variant has not been reported in the literature in individuals affected with ITGB3-related conditions. Advanced modeling of protein sequence and biophysical properties (such as structural, functional, and spatial information, amino acid conservation, physicochemical variation, residue mobility, and thermodynamic stability) performed at Invitae indicates that this missense variant is expected to disrupt ITGB3 protein function with a positive predictive value of 80%. This variant disrupts the p.Met150 amino acid residue in ITGB3. Other variant(s) that disrupt this residue have been determined to be pathogenic (PMID: 15583747, 25539746). This suggests that this residue is clinically significant, and that variants that disrupt this residue are likely to be disease-causing. In summary, the available evidence is currently insufficient to determine the role of this variant in disease. Therefore, it has been classified as a Variant of Uncertain Significance.

Literature cited by the submitters: PubMed 15583747; PubMed 25539746.